The following is an entry in ClinVar:

NM_001849.4(COL6A2):c.421A>G (p.Met141Val)

Gene: COL6A2 (collagen type VI alpha 2 chain; plus strand). Cytogenetic location: 21q22.3.
Variant type: single nucleotide variant.
Coding change: c.421A>G on transcript NM_001849.4 (MANE Select); coding-DNA position 421, A replaced by G.
Protein change: p.Met141Val; replaces methionine 141 with valine.
Molecular consequence: missense variant.
Genome position (GRCh38, 1-based): chr21:46,112,284, A>G. VCF-style: chr21-46112284-A-G. GRCh37 (hg19) VCF-style: chr21-47532198-A-G.
Other names: c.421A>G, p.Met141Val (NM_058174.3, NM_058175.3); short protein forms M141V.
Identifiers: ClinVar variation 2243780 (VCV002243780.3), dbSNP rs867333805, ClinGen allele CA321957244.
Genomic context (GRCh38, chr21:46,112,284, plus strand): 5'-AACCTGCAGGGCATCAGCTCCTTCCGCCGCGGCACCTTCACCGACTGCGCGCTGGCCAAC[A>G]TGACGGAGCAGATCCGGCAGGACCGCAGCAAGGGCACCGTCCACTTCGCCGTGGTCATCA-3'
Protein context (NP_001840.3, residues 131-151): GTFTDCALAN[Met141Val]TEQIRQDRSK

ClinVar aggregate classification (germline): Uncertain significance. Review status: criteria provided, multiple submitters, no conflicts (2 of 4 stars). 2 submissions from 2 submitters: Uncertain significance (2). Last evaluated 2025-04-03.

Conditions:
Inborn genetic diseases. Identifiers: MedGen C0950123, MeSH D030342.
Bethlem myopathy 1A. Also called: Bethlem Muscular Dystrophy; MYOPATHY, BENIGN CONGENITAL, WITH CONTRACTURES; Bethlem myopathy 1. Identifiers: Orphanet 610, MedGen CN029274, MONDO:0024530, OMIM 158810.

Allele frequency attached by ClinVar (database versions not stated): gnomAD 0.00001; gnomAD exomes 0.00001; TOPMed 0.00001.

Submissions (2):

Labcorp Genetics (formerly Invitae), Labcorp
Classification: Uncertain significance for Bethlem myopathy 1A. Last evaluated: 2025-04-03. Review status: criteria provided, single submitter. Criteria: Invitae Variant Classification Sherloc (09022015). Collection method: clinical testing. Allele origin: germline.
Comment: This sequence change replaces methionine, which is neutral and non-polar, with valine, which is neutral and non-polar, at codon 141 of the COL6A2 protein (p.Met141Val). This variant is present in population databases (no rsID available, gnomAD 0.005%). This variant has not been reported in the literature in individuals affected with COL6A2-related conditions. ClinVar contains an entry for this variant (Variation ID: 2243780). Invitae Evidence Modeling of protein sequence and biophysical properties (such as structural, functional, and spatial information, amino acid conservation, physicochemical variation, residue mobility, and thermodynamic stability) indicates that this missense variant is expected to disrupt COL6A2 protein function with a positive predictive value of 80%. In summary, the available evidence is currently insufficient to determine the role of this variant in disease. Therefore, it has been classified as a Variant of Uncertain Significance.

Ambry Genetics
Classification: Uncertain significance for Inborn genetic diseases. Last evaluated: 2021-08-12. Review status: criteria provided, single submitter. Criteria: Ambry Variant Classification Scheme 2023. Collection method: clinical testing. Allele origin: germline.